The following is an entry in ClinVar:

NM_002890.3(RASA1):c.190G>A (p.Gly64Arg)

Gene: RASA1 (RAS p21 protein activator 1; plus strand). Cytogenetic location: 5q14.3.
Variant type: single nucleotide variant.
Coding change: c.190G>A on transcript NM_002890.3 (MANE Select); coding-DNA position 190, G replaced by A.
Protein change: p.Gly64Arg; replaces glycine 64 with arginine.
Molecular consequence: missense variant.
Genome position (GRCh38, 1-based): chr5:87,268,641, G>A. VCF-style: chr5-87268641-G-A. GRCh37 (hg19) VCF-style: chr5-86564458-G-A.
Other names: p.Gly64Arg; short protein forms G64R.
Identifiers: ClinVar variation 533452 (VCV000533452.15), dbSNP rs777805156, ClinGen allele CA3335347.

ClinVar aggregate classification (germline): Conflicting classifications of pathogenicity. Review status: criteria provided, conflicting classifications (1 of 4 stars). 4 submissions from 4 submitters: Uncertain significance (3); Likely benign (1). Last evaluated 2025-12-21.

Conditions:
Capillary malformation-arteriovenous malformation syndrome. Also called: Capillary malformation-arteriovenous malformation. Identifiers: Orphanet 137667, MedGen C1842180, MONDO:0012016.
Cardiovascular phenotype. Identifiers: MedGen CN230736.

Allele frequency attached by ClinVar (database versions not stated): ExAC 0.00003; gnomAD 0.00003; gnomAD exomes 0.00003 and 0.00007; TOPMed 0.00005.
gnomAD v4.1: 24 of 1,611,160 alleles (0.0015%); highest among the groups gnomAD compares: Admixed American, 0.04%; no homozygotes.

Submissions (4):

Labcorp Genetics (formerly Invitae), Labcorp
Classification: Uncertain significance for Capillary malformation-arteriovenous malformation syndrome. Last evaluated: 2025-12-21. Review status: criteria provided, single submitter. Criteria: Invitae Variant Classification Sherloc (09022015). Collection method: clinical testing. Allele origin: germline.
Comment: This sequence change replaces glycine, which is neutral and non-polar, with arginine, which is basic and polar, at codon 64 of the RASA1 protein (p.Gly64Arg). This variant is present in population databases (rs777805156, gnomAD 0.05%), and has an allele count higher than expected for a pathogenic variant. This variant has not been reported in the literature in individuals affected with RASA1-related conditions. ClinVar contains an entry for this variant (Variation ID: 533452). An algorithm developed to predict the effect of missense changes on protein structure and function (PolyPhen-2) suggests that this variant is likely to be disruptive. In summary, the available evidence is currently insufficient to determine the role of this variant in disease. Therefore, it has been classified as a Variant of Uncertain Significance.

Mayo Clinic Laboratories, Mayo Clinic
Classification: Uncertain significance. Last evaluated: 2025-02-22. Review status: criteria provided, single submitter. Criteria: ACMG Guidelines, 2015. Collection method: clinical testing. Allele origin: germline. Observed: 1 variant allele.
Comment: BS1, BP4, PP2

Ambry Genetics
Classification: Likely benign for Cardiovascular phenotype. Last evaluated: 2023-04-04. Review status: criteria provided, single submitter. Criteria: Ambry Variant Classification Scheme 2023. Collection method: clinical testing. Allele origin: germline.

GeneDx
Classification: Uncertain significance. Last evaluated: 2019-08-14. Review status: criteria provided, single submitter. Criteria: GeneDx Variant Classification Process June 2021. Collection method: clinical testing. Allele origin: germline. Affected: yes.
Comment: In silico analysis, which includes protein predictors and evolutionary conservation, supports that this variant does not alter protein structure/function; Has not been previously published as pathogenic or benign to our knowledge